The following is an entry in ClinVar:

NM_004612.4(TGFBR1):c.1387-15del

Gene: TGFBR1 (transforming growth factor beta receptor 1; plus strand). Cytogenetic location: 9q22.33.
Variant type: Deletion.
Coding change: c.1387-15del on transcript NM_004612.4 (MANE Select); 15 bases into the intron before coding-DNA position 1387, one base deleted (T; older notation c.1387-15delT).
Molecular consequence: intron variant.
Genome position (GRCh38, 1-based): chr9:99,149,165, T deleted; the last of 11 consecutive T bases (chr9:99,149,155-99,149,165); deleting any one gives the same sequence. VCF-style (leftmost placement, unchanged base first): chr9-99149154-AT-A. GRCh37 (hg19) VCF-style: chr9-101911436-AT-A.
Other names: c.1399-15del (NM_001306210.2); c.1156-15del (NM_001130916.3); c.1387-15delT (NM_004612.2, NM_004612.4).
Identifiers: ClinVar variation 213857 (VCV000213857.5), dbSNP rs752215820, ClinGen allele CA324850.
Genomic context (GRCh38, chr9:99,149,154, plus strand): 5'-AAAAGAAAATTTACACGTAAAAATTCTTATCCAGACCAATGGAAAATGGTGCATGCATTA[AT>A]TTTTTTTTTTATATTTTCTTGTAGGCCTTGAGAGTAATGGCTAAAATTATGAGAGAATGT-3'

ClinVar aggregate classification (germline): Benign/Likely benign. Review status: criteria provided, multiple submitters, no conflicts (2 of 4 stars). 3 submissions from 2 submitters: Benign (1); Likely benign (1). 1 of the submissions does not count toward it. Last evaluated 2025-02-13.

Submissions (3):

Women's Health and Genetics/Laboratory Corporation of America, LabCorp
Classification: Benign. Last evaluated: 2025-02-13. Review status: criteria provided, single submitter. Criteria: LabCorp Variant Classification Summary - May 2015. Collection method: clinical testing. Allele origin: germline.

GeneDx
Classification: Likely benign. Last evaluated: 2019-08-07. Review status: criteria provided, single submitter. Criteria: GeneDx Variant Classification Process June 2021. Collection method: clinical testing. Allele origin: germline. Affected: yes.

GeneDx
Classification: Benign. Last evaluated: 2015-03-03. Review status: flagged submission. Criteria: GeneDx Variant Classification (06012015). Collection method: clinical testing. Allele origin: germline. Affected: yes. Not counted in ClinVar's aggregate classification.
Comment: This variant was found in TAADV2-PANCARD,TAAD,TAADV2-1,TGFBR1
ClinVar note: Reason: This record appears to be redundant with a more recent record from the same submitter.
ClinVar note: Notes: SCV000250858 appears to be redundant with SCV001818255.